The following is an entry in ClinVar:

ClinVar aggregate classification (germline): Pathogenic/Likely pathogenic. Review status: criteria provided, multiple submitters, no conflicts (2 of 4 stars). 6 submissions from 6 submitters: Pathogenic (4); Likely pathogenic (2). Last evaluated 2026-05-14.

Conditions:
Senior-Loken syndrome 6 (SLSN6). Identifiers: Orphanet 3156, MedGen C1857779, MONDO:0012433, OMIM 610189.
Joubert syndrome 5 (JBTS5). Identifiers: Orphanet 2318, MedGen C1857780, MONDO:0012432, OMIM 610188.
Meckel syndrome, type 4 (MKS4). Also called: MECKEL-GRUBER SYNDROME, TYPE 4. Identifiers: Orphanet 564, MedGen C1970161, MONDO:0012626, OMIM 611134.
Bardet-Biedl syndrome 14 (BBS14). Identifiers: Orphanet 110, MedGen C2673874, MONDO:0014442, OMIM 615991.
Meckel-Gruber syndrome. Also called: DYSENCEPHALIA SPLANCHNOCYSTICA; Dysencephalia splachnocystica; GRUBER SYNDROME. Identifiers: Orphanet 564, MedGen C0265215, MONDO:0018921.
Joubert syndrome. Also called: JOUBERT-BOLTSHAUSER SYNDROME; Familial aplasia of the vermis. Identifiers: Orphanet 475, MedGen C5979921, MONDO:0018772.
Nephronophthisis. Also called: Juvenile Nephronophthisis. Identifiers: Orphanet 655, MedGen C0687120, MONDO:0019005, HP:0000090.
CEP290-related ciliopathy. Also called: CEP290 ciliopathy. Identifiers: MedGen CN305601, MONDO:0100451.
Leber congenital amaurosis 10 (LCA10). Identifiers: Orphanet 65, MedGen C1857821, MONDO:0012723, OMIM 611755.

Allele frequency attached by ClinVar (database versions not stated): gnomAD exomes below 0.00001.
gnomAD v4.1: 3 of 1,477,918 alleles (0.0002%); highest among the groups gnomAD compares: South Asian, 0.0029%; no homozygotes.

Submissions (6):

Foundation for Research in Genetics and Endocrinology, FRIGE's Institute of Human Genetics
Classification: Pathogenic for Bardet-Biedl syndrome 14. Last evaluated: 2026-05-14. Review status: criteria provided, single submitter. Criteria: ACMG Guidelines, 2015. Collection method: clinical testing. Allele origin: germline. Inheritance: Autosomal recessive inheritance. Affected: yes. Observed: 1 variant allele, 1 compound heterozygote.
Comment: A heterozygous variant c.1060C>T was detected in exon 12. This variant results in the formation of a premature stop codon, leading to a predicted truncated protein (p.Gln354Ter). The variant c.1060C>T has been reported in the dbSNP database (rs2138021345) and has a minor allele frequency of <0.001% in the gnomAD database. In summary, the variant meets our criteria to be classified as pathogenic.

Institute of Immunology and Genetics Kaiserslautern
Classification: Pathogenic for Senior-Loken syndrome 6; Joubert syndrome 5; Bardet-Biedl syndrome 14; Meckel syndrome, type 4. Last evaluated: 2025-04-25. Review status: criteria provided, single submitter. Criteria: ACMG Guidelines, 2015. Collection method: clinical testing. Allele origin: germline. Affected: no.
Comment: ACMG Criteria: PVS1, PM2, PP5; Variant was found in heterozygous state.

Labcorp Genetics (formerly Invitae), Labcorp
Classification: Pathogenic for Joubert syndrome; Meckel-Gruber syndrome; Nephronophthisis. Last evaluated: 2024-10-24. Review status: criteria provided, single submitter. Criteria: Invitae Variant Classification Sherloc (09022015). Collection method: clinical testing. Allele origin: germline.
Comment: This sequence change creates a premature translational stop signal (p.Gln354*) in the CEP290 gene. It is expected to result in an absent or disrupted protein product. Loss-of-function variants in CEP290 are known to be pathogenic (PMID: 16909394, 17345604, 20690115). This variant is not present in population databases (gnomAD no frequency). This variant has not been reported in the literature in individuals affected with CEP290-related conditions. ClinVar contains an entry for this variant (Variation ID: 1073200). Algorithms developed to predict the effect of sequence changes on RNA splicing suggest that this variant may disrupt the consensus splice site. For these reasons, this variant has been classified as Pathogenic.

Myriad Genetics, Inc.
Classification: Pathogenic for CEP290-related ciliopathy. Last evaluated: 2024-09-09. Review status: criteria provided, single submitter. Criteria: Myriad Autosomal Dominant, Autosomal Recessive and X-Linked Classification Criteria (2023). Collection method: clinical testing. Allele origin: unknown.
Comment: NM_025114.3(CEP290):c.1060C>T(Q354*) is expected to be pathogenic in the context of CEP290-related disorders. This variant is predicted to lead to an abnormal or absent protein product due to the creation of a premature termination codon in CEP290, a gene where loss-of-function variants are known to be pathogenic. Please note: this variant was assessed in the context of healthy population screening.

Fulgent Genetics
Classification: Likely pathogenic for Joubert syndrome 5; Senior-Loken syndrome 6; Meckel syndrome, type 4; Leber congenital amaurosis 10; Bardet-Biedl syndrome 14. Last evaluated: 2024-06-20. Review status: criteria provided, single submitter. Criteria: ACMG Guidelines, 2015. Collection method: clinical testing. Allele origin: germline.

Baylor Genetics
Classification: Likely pathogenic for Bardet-Biedl syndrome 14. Last evaluated: 2023-07-09. Review status: criteria provided, single submitter. Criteria: ACMG Guidelines, 2015. Collection method: clinical testing. Allele origin: unknown.

Literature cited by the submitters: PubMed 16909394 (cited by Labcorp Genetics (formerly Invitae), Labcorp); PubMed 17345604 (cited by Labcorp Genetics (formerly Invitae), Labcorp); PubMed 20690115 (cited by Labcorp Genetics (formerly Invitae), Labcorp).

NM_025114.4(CEP290):c.1060C>T (p.Gln354Ter)

Gene: CEP290 (centrosomal protein 290; minus strand). Cytogenetic location: 12q21.32.
Variant type: single nucleotide variant.
Coding change: c.1060C>T on transcript NM_025114.4 (MANE Select); coding-DNA position 1060, C replaced by T.
Protein change: p.Gln354Ter; replaces glutamine 354 with a stop codon.
Molecular consequence: nonsense.
Genome position (GRCh38, 1-based): chr12:88,126,321, G>A on the plus strand (C>T on the coding strand, the complement: CEP290 is on the minus strand). VCF-style: chr12-88126321-G-A. GRCh37 (hg19) VCF-style: chr12-88520098-G-A.
Other names: p.Gln354Ter; short protein forms Q354*.
Identifiers: ClinVar variation 1073200 (VCV001073200.12), dbSNP rs2138021345, ClinGen allele CA385982588.